The following is an entry in ClinVar:

NM_002439.5(MSH3):c.2025T>G (p.Ile675Met)

Gene: MSH3 (mutS homolog 3; plus strand). Cytogenetic location: 5q14.1.
Variant type: single nucleotide variant.
Coding change: c.2025T>G on transcript NM_002439.5 (MANE Select); coding-DNA position 2025, T replaced by G.
Protein change: p.Ile675Met; replaces isoleucine 675 with methionine.
Molecular consequence: missense variant.
Genome position (GRCh38, 1-based): chr5:80,768,061, T>G. VCF-style: chr5-80768061-T-G. GRCh37 (hg19) VCF-style: chr5-80063880-T-G.
Other names: short protein forms I675M.
Identifiers: ClinVar variation 962802 (VCV000962802.1), dbSNP rs1744153796, ClinGen allele CA360277794.

ClinVar aggregate classification (germline): Uncertain significance (1 of 4 stars; one submission).

Submission:

Labcorp Genetics (formerly Invitae), Labcorp
Classification: Uncertain significance. Last evaluated: 2019-09-30. Review status: criteria provided, single submitter. Criteria: Invitae Variant Classification Sherloc (09022015). Collection method: clinical testing. Allele origin: germline.
Comment: This sequence change replaces isoleucine with methionine at codon 675 of the MSH3 protein (p.Ile675Met). The isoleucine residue is moderately conserved and there is a small physicochemical difference between isoleucine and methionine. This variant is not present in population databases (ExAC no frequency). This variant has not been reported in the literature in individuals with MSH3-related conditions. Algorithms developed to predict the effect of missense changes on protein structure and function are either unavailable or do not agree on the potential impact of this missense change (SIFT: "Deleterious"; PolyPhen-2: "Benign"; Align-GVGD: "Class C0"). In summary, the available evidence is currently insufficient to determine the role of this variant in disease. Therefore, it has been classified as a Variant of Uncertain Significance.